The following is an entry in ClinVar:

NM_001375834.1(WIPF1):c.36C>T (p.Pro12=)

Genes: WIPF1-AS1 (WIPF1 and CHRNA1 antisense RNA 1; plus strand), WIPF1 (WAS/WASL interacting protein family member 1; minus strand). Cytogenetic location: 2q31.1.
Variant type: single nucleotide variant.
Coding change: c.36C>T on transcript NM_001375834.1 (MANE Select); coding-DNA position 36, C replaced by T.
Protein change: p.Pro12=; no amino-acid change (proline 12 retained).
Molecular consequence: synonymous variant.
Genome position (GRCh38, 1-based): chr2:174,585,538, G>A on the plus strand (C>T on the coding strand, the complement: WIPF1 is on the minus strand). VCF-style: chr2-174585538-G-A. GRCh37 (hg19) VCF-style: chr2-175450266-G-A.
Other names: c.36C>T, p.Pro12= (NM_001077269.1, NM_001375832.1, NM_001375833.1 and 6 more transcripts).
Identifiers: ClinVar variation 1675812 (VCV001675812.34), dbSNP rs767503365, ClinGen allele CA1974265.

ClinVar aggregate classification (germline): Likely benign. Review status: criteria provided, multiple submitters, no conflicts (2 of 4 stars). 2 submissions from 2 submitters: Likely benign (2). Last evaluated 2022-03-01.

Allele frequency attached by ClinVar (database versions not stated): TOPMed 0.00001; gnomAD 0.00002; gnomAD exomes 0.00002 and 0.00005; ExAC 0.00005.
gnomAD v4.1: 26 of 1,612,974 alleles (0.0016%); highest among the groups gnomAD compares: South Asian, 0.0011%; no homozygotes.

Submissions (2):

CeGaT Center for Human Genetics Tuebingen
Classification: Likely benign. Last evaluated: 2022-03-01. Review status: criteria provided, single submitter. Criteria: CeGaT Center For Human Genetics Tuebingen Variant Classification Criteria Version 2. Collection method: clinical testing. Allele origin: germline. Affected: yes. Observed: 1 variant allele.
Comment: WIPF1: BP4, BP7

Blueprint Genetics
Classification: Likely benign. Last evaluated: 2020-07-30. Review status: criteria provided, single submitter. Criteria: ACMG Guidelines, 2015. Collection method: clinical testing. Allele origin: germline.